The following is an entry in ClinVar:

NM_001164508.2(NEB):c.7906G>A (p.Asp2636Asn)

Gene: NEB (nebulin; minus strand). Cytogenetic location: 2q23.3.
Variant type: single nucleotide variant.
Coding change: c.7906G>A on transcript NM_001164508.2 (MANE Select); coding-DNA position 7906, G replaced by A.
Protein change: p.Asp2636Asn; replaces aspartic acid 2636 with asparagine.
Molecular consequence: missense variant.
Genome position (GRCh38, 1-based): chr2:151,643,868, C>T on the plus strand (G>A on the coding strand, the complement: NEB is on the minus strand). VCF-style: chr2-151643868-C-T. GRCh37 (hg19) VCF-style: chr2-152500382-C-T.
Other names: c.7906G>A, p.Asp2636Asn (NM_001164507.2, NM_001271208.2, NM_004543.5); short protein forms D2636N.
Identifiers: ClinVar variation 465641 (VCV000465641.7), dbSNP rs760643814, ClinGen allele CA1909734.
Genomic context (GRCh38, chr2:151,643,868, plus strand): 5'-TTAGACTCACATCGCTCTGGAGGTCATAGGCCTGCCGAGCATGGATGACATCGCTCTGGT[C>T]GGGCAGGCATGTCCACTGGTGCAGGTAGTTCTTGTAGTCCACGTCGCTGACTAAGGTCTG-3'
Protein context (NP_001157980.2, residues 2626-2646): NYLHQWTCLP[Asp2636Asn]QSDVIHARQA

ClinVar aggregate classification (germline): Uncertain significance. Review status: criteria provided, single submitter (1 of 4 stars). 2 submissions from 2 submitters: Uncertain significance (1). 1 of the submissions does not count toward it. Last evaluated 2024-04-02.

Conditions:
Nemaline myopathy 2 (NEM2). Also called: Nemaline myopathy 2, autosomal recessive. Identifiers: MedGen C1850569, MONDO:0009725, OMIM 256030.

Allele frequency attached by ClinVar (database versions not stated): ExAC 0.00001; gnomAD exomes 0.00001; gnomAD 0.00003 and 0.00004; TOPMed 0.00005.
gnomAD v4.1: 23 of 1,613,900 alleles (0.0014%); highest among the groups gnomAD compares: African/African-American, 0.0093%; no homozygotes.

Submissions (2):

Labcorp Genetics (formerly Invitae), Labcorp
Classification: Uncertain significance for Nemaline myopathy 2. Last evaluated: 2024-04-02. Review status: criteria provided, single submitter. Criteria: Invitae Variant Classification Sherloc (09022015). Collection method: clinical testing. Allele origin: germline.
Comment: This sequence change replaces aspartic acid, which is acidic and polar, with asparagine, which is neutral and polar, at codon 2636 of the NEB protein (p.Asp2636Asn). This variant is present in population databases (rs760643814, gnomAD 0.006%). This variant has not been reported in the literature in individuals affected with NEB-related conditions. ClinVar contains an entry for this variant (Variation ID: 465641). Experimental studies and prediction algorithms are not available or were not evaluated, and the functional significance of this variant is currently unknown. In summary, the available evidence is currently insufficient to determine the role of this variant in disease. Therefore, it has been classified as a Variant of Uncertain Significance.

Natera, Inc.
Classification: Uncertain significance for Nemaline myopathy type 2. Last evaluated: 2020-09-16. Review status: no assertion criteria provided. Collection method: clinical testing. Allele origin: germline. Not counted in ClinVar's aggregate classification.